The following is an entry in ClinVar:

NM_014946.4(SPAST):c.286del (p.Ala96fs)

Gene: SPAST (spastin; plus strand). Cytogenetic location: 2p22.3.
Variant type: Deletion.
Coding change: c.286del on transcript NM_014946.4 (MANE Select); coding-DNA position 286, one base deleted (G; older notation c.286delG).
Protein change: p.Ala96fs; shifts the reading frame from alanine 96.
Molecular consequence: frameshift variant.
Genome position (GRCh38, 1-based): chr2:32,064,117, G deleted. VCF-style (leftmost placement, unchanged base first): chr2-32064116-CG-C. GRCh37 (hg19) VCF-style: chr2-32289185-CG-C.
Other names: c.286del, p.Ala96fs (NM_001377959.1, NM_199436.2, NM_001363823.2 and 1 more transcripts); c.286delG (NM_014946.3); short protein forms A96fs.
Identifiers: ClinVar variation 665989 (VCV000665989.11), dbSNP rs1573028017, ClinGen allele CA915943913.

ClinVar aggregate classification (germline): Pathogenic. Review status: criteria provided, multiple submitters, no conflicts (2 of 4 stars). 2 submissions from 2 submitters: Pathogenic (2). Last evaluated 2020-08-11.

Conditions:
Hereditary spastic paraplegia 4. Also called: Spastic paraplegia 4, autosomal dominant; Spastic Paraplegia 4; Familial spastic paraplegia autosomal dominant 2. Identifiers: Orphanet 100985, MedGen C1866855, MONDO:0008438, OMIM 182601.
Hereditary spastic paraplegia. Also called: Familial spastic paraparesis. Identifiers: Orphanet 685, MedGen C0037773, MONDO:0019064. Disease mechanism: loss of function.

Submissions (2):

Genome Diagnostics Laboratory, The Hospital for Sick Children
Classification: Pathogenic for Hereditary spastic paraplegia. Last evaluated: 2020-08-11. Review status: criteria provided, single submitter. Criteria: ACMG Guidelines, 2015. Collection method: clinical testing. Allele origin: germline. Affected: yes.

Labcorp Genetics (formerly Invitae), Labcorp
Classification: Pathogenic for Hereditary spastic paraplegia 4. Last evaluated: 2018-10-25. Review status: criteria provided, single submitter. Criteria: Invitae Variant Classification Sherloc (09022015). Collection method: clinical testing. Allele origin: germline.
Comment: For these reasons, this variant has been classified as Pathogenic. Loss-of-function variants in SPAST are known to be pathogenic (PMID: 20932283). This variant has been observed in individuals and families affected with hereditary spastic paraplegia (PMID: 11015453, 16832076). This variant is also known as 411delG in the literature. This variant is not present in population databases (ExAC no frequency). This sequence change creates a premature translational stop signal (p.Ala96Argfs*65) in the SPAST gene. It is expected to result in an absent or disrupted protein product.

Literature cited by the submitters: PubMed 20932283 (cited by Labcorp Genetics (formerly Invitae), Labcorp); PubMed 11015453 (cited by Labcorp Genetics (formerly Invitae), Labcorp); PubMed 16832076 (cited by Labcorp Genetics (formerly Invitae), Labcorp).